The following is an entry in ClinVar:

NM_052947.4(ALPK2):c.4103A>C (p.Asn1368Thr)

Genes: ALPK2 (alpha kinase 2; minus strand), LOC126862764 (BRD4-independent group 4 enhancer GRCh37_chr18:56202574-56203773; plus strand). Cytogenetic location: 18q21.31.
Variant type: single nucleotide variant.
Coding change: c.4103A>C on transcript NM_052947.4 (MANE Select); coding-DNA position 4103, A replaced by C.
Protein change: p.Asn1368Thr; replaces asparagine 1368 with threonine.
Molecular consequence: missense variant.
Genome position (GRCh38, 1-based): chr18:58,536,084, T>G on the plus strand (A>C on the coding strand, the complement: ALPK2 is on the minus strand). VCF-style: chr18-58536084-T-G. GRCh37 (hg19) VCF-style: chr18-56203316-T-G.
Other names: short protein forms N1368T.
Identifiers: ClinVar variation 1737868 (VCV001737868.2), dbSNP rs2518875446, ClinGen allele CA402564336.

ClinVar aggregate classification (germline): Uncertain significance (1 of 4 stars; one submission).

Submission:

Ambry Genetics
Classification: Uncertain significance. Last evaluated: 2022-04-07. Review status: criteria provided, single submitter. Criteria: Ambry Variant Classification Scheme 2023. Collection method: clinical testing. Allele origin: germline.
Comment: The p.N1368T variant (also known as c.4103A>C), located in coding exon 4 of the ALPK2 gene, results from an A to C substitution at nucleotide position 4103. The asparagine at codon 1368 is replaced by threonine, an amino acid with similar properties. This amino acid position is conserved. In addition, this alteration is predicted to be tolerated by in silico analysis. Since supporting evidence is limited at this time, the clinical significance of this alteration remains unclear.